The following is an entry in ClinVar:

ClinVar aggregate classification (germline): Pathogenic. Review status: criteria provided, multiple submitters, no conflicts (2 of 4 stars). 4 submissions from 4 submitters: Pathogenic (3). 1 of the submissions does not count toward it. Last evaluated 2025-10-10.

Conditions:
Hereditary nonpolyposis colorectal neoplasms. Identifiers: MedGen C0009405, MeSH D003123.
Lynch syndrome 4 (LYNCH4). Also called: Hereditary non-polyposis colorectal cancer, type 4; Colorectal cancer, hereditary nonpolyposis, type 4. Identifiers: Orphanet 144, MedGen C1838333, MONDO:0013699, OMIM 614337. Disease mechanism: loss of function.
Carcinoma of colon (CRC). Also called: Colonic carcinoma; Colon carcinoma. Identifiers: MedGen C0699790, MONDO:0002032.
Hereditary cancer-predisposing syndrome. Also called: Hereditary Cancer Syndrome; Hereditary neoplastic syndrome; Tumor predisposition; Neoplastic Syndromes, Hereditary. Identifiers: Orphanet 140162, MedGen C0027672, MeSH D009386, MONDO:0015356.

Submissions (4):

Ambry Genetics
Classification: Pathogenic for Hereditary cancer-predisposing syndrome. Last evaluated: 2025-10-10. Review status: criteria provided, single submitter. Criteria: Ambry Variant Classification Scheme 2023. Collection method: clinical testing. Allele origin: germline.
Comment: The c.368delC pathogenic mutation, located in coding exon 5 of the PMS2 gene, results from a deletion of one nucleotide at nucleotide position 368, causing a translational frameshift with a predicted alternate stop codon (p.S123Lfs*13). This variant is considered to be rare based on population cohorts in the Genome Aggregation Database (gnomAD). This alteration is expected to result in loss of function by premature protein truncation or nonsense-mediated mRNA decay. As such, this alteration is interpreted as a disease-causing mutation.

Labcorp Genetics (formerly Invitae), Labcorp
Classification: Pathogenic for Hereditary nonpolyposis colorectal neoplasms. Last evaluated: 2025-02-16. Review status: criteria provided, single submitter. Criteria: Invitae Variant Classification Sherloc (09022015). Collection method: clinical testing. Allele origin: germline.
Comment: This sequence change creates a premature translational stop signal (p.Ser123Leufs*13) in the PMS2 gene. It is expected to result in an absent or disrupted protein product. Loss-of-function variants in PMS2 are known to be pathogenic (PMID: 21376568, 24362816). This variant is not present in population databases (gnomAD no frequency). This variant has not been reported in the literature in individuals affected with PMS2-related conditions. ClinVar contains an entry for this variant (Variation ID: 1049418). For these reasons, this variant has been classified as Pathogenic.

Myriad Genetics, Inc.
Classification: Pathogenic for Lynch syndrome 4. Last evaluated: 2023-09-18. Review status: criteria provided, single submitter. Criteria: Myriad Autosomal Dominant, Autosomal Recessive and X-Linked Classification Criteria (2023). Collection method: clinical testing. Allele origin: unknown.
Comment: This variant is considered pathogenic. This variant creates a frameshift predicted to result in premature protein truncation.

Department of Pathology and Laboratory Medicine, Sinai Health System
Classification: Pathogenic for Carcinoma of colon. Review status: no assertion criteria provided. Collection method: clinical testing. Allele origin: unknown. Affected: yes. Observed: 1 variant allele. Study: The Canadian Open Genetics Repository (COGR). Not counted in ClinVar's aggregate classification.
Comment: The PMS2 p.Ser123LeufsX13 variant was not identified in the literature nor was it identified in the dbSNP, ClinVar, GeneInsight-COGR, Cosmic, MutDB, Insight Colon Cancer Gene Variant Database, Zhejiang Colon Cancer Database, Mismatch Repair Genes Variant Database, Insight Hereditary Tumors Database, the 1000 Genomes Project, the NHLBI GO Exome Sequencing Project, the Exome Aggregation Consortium (August 8th 2016), or the Genome Aggregation Database (Feb 27, 2017). The c.368delC variant is predicted to cause a frameshift, which alters the protein's amino acid sequence beginning at codon 123 and leads to a premature stop codon 13 codons downstream. This alteration is then predicted to result in a truncated or absent protein and loss of function. Loss of function variants of the PMS2 gene are an established mechanism of disease in Lynch syndrome and is the type of variant expected to cause the disorder. In summary, based on the above information this variant meets our laboratoryâ€šÃ„Ã´s criteria to be classified as pathogenic.

Literature cited by the submitters: PubMed 21376568 (cited by Labcorp Genetics (formerly Invitae), Labcorp); PubMed 24362816 (cited by Labcorp Genetics (formerly Invitae), Labcorp).

NM_000535.7(PMS2):c.368del (p.Ser123fs)

Gene: PMS2 (PMS1 homolog 2, mismatch repair system component; minus strand). Cytogenetic location: 7p22.1.
Variant type: Deletion.
Coding change: c.368del on transcript NM_000535.7 (MANE Select); coding-DNA position 368, one base deleted (C; older notation c.368delC).
Protein change: p.Ser123fs; shifts the reading frame from serine 123.
Molecular consequence: frameshift variant. On other transcripts: 5 prime UTR variant (8), non-coding transcript variant (1).
Genome position (GRCh38, 1-based): chr7:6,002,622, G deleted on the plus strand (C on the coding strand, the reverse complement: PMS2 is on the minus strand). VCF-style (leftmost placement, unchanged base first): chr7-6002621-AG-A. GRCh37 (hg19) VCF-style: chr7-6042252-AG-A.
Other names: c.-38del (NM_001322003.2, NM_001322004.2, NM_001322005.2 and 3 more transcripts); c.368del, p.Ser123fs (NM_001322006.2, NM_001322014.2); c.50del, p.Ser17fs (NM_001322007.2, NM_001322008.2); c.-517del (NM_001322011.2, NM_001322012.2); c.59del, p.Ser20fs (NM_001322015.2); c.368delC (NM_000535.5); short protein forms S123fs, S17fs, S20fs.
Identifiers: ClinVar variation 1049418 (VCV001049418.4), dbSNP rs2128819251, ClinGen allele CA2499218980.